The following is an entry in ClinVar:

ClinVar aggregate classification (germline): Benign. Review status: criteria provided, multiple submitters, no conflicts (2 of 4 stars). 3 submissions from 3 submitters: Benign (3). Last evaluated 2023-11-12.

Allele frequency attached by ClinVar (database versions not stated): gnomAD 0.05784 and 0.06171; TOPMed 0.06847; gnomAD exomes 0.06867; 1000 Genomes Project 30x 0.09494; 1000 Genomes Project 0.09685.
gnomAD v4.1: 84,529 of 1,244,436 alleles (6.8%); highest among the groups gnomAD compares: Admixed American, 17%; 3,802 homozygotes.

Submissions (3):

Unidad de Genómica Garrahan, Hospital de Pediatría Garrahan
Classification: Benign. Last evaluated: 2023-11-12. Review status: criteria provided, single submitter. Criteria: ACMG Guidelines, 2015. Collection method: clinical testing. Allele origin: germline. Affected: no. Observed: 25 variant alleles.
Comment: This variant is classified as Benign based on local population frequency. This variant was detected in 26% of patients studied by a panel of primary immunodeficiencies. Number of patients: 25. Only high quality variants are reported.

GeneDx
Classification: Benign. Last evaluated: 2021-05-15. Review status: criteria provided, single submitter. Criteria: GeneDx Variant Classification Process June 2021. Collection method: clinical testing. Allele origin: germline. Affected: yes.

Breakthrough Genomics
Classification: Benign. Review status: criteria provided, single submitter. Criteria: ACMG Guidelines, 2015. Collection method: not provided. Allele origin: germline. Inheritance: Autosomal dominant inheritance. Affected: yes.

NM_002661.5(PLCG2):c.3314-55T>C

Gene: PLCG2 (phospholipase C gamma 2; plus strand). Cytogenetic location: 16q23.3.
Variant type: single nucleotide variant.
Coding change: c.3314-55T>C on transcript NM_002661.5 (MANE Select); 55 bases into the intron before coding-DNA position 3314, T replaced by C.
Molecular consequence: intron variant.
Genome position (GRCh38, 1-based): chr16:81,939,837, T>C. VCF-style: chr16-81939837-T-C. GRCh37 (hg19) VCF-style: chr16-81973442-T-C.
Identifiers: ClinVar variation 1289308 (VCV001289308.5), dbSNP rs11150425, ClinGen allele CA285194858.
Genomic context (GRCh38, chr16:81,939,837, plus strand): 5'-TGCATATTTATTTACATGGTTGCTAAGGGGATTCACAGCTGAAGGATGCGGAGATTGTCT[T>C]ACCAGAAGGGGGCAGCTCCAATGTGGCCTCTCATGAGCTTTGATCTCCTTCCAGATGATA-3'